The following is an entry in ClinVar:

NM_182961.4(SYNE1):c.25103C>T (p.Thr8368Ile)

Gene: SYNE1 (spectrin repeat containing nuclear envelope protein 1; minus strand). Cytogenetic location: 6q25.2.
Variant type: single nucleotide variant.
Coding change: c.25103C>T on transcript NM_182961.4 (MANE Select); coding-DNA position 25103, C replaced by T.
Protein change: p.Thr8368Ile; replaces threonine 8368 with isoleucine.
Molecular consequence: missense variant.
Genome position (GRCh38, 1-based): chr6:152,143,639, G>A on the plus strand (C>T on the coding strand, the complement: SYNE1 is on the minus strand). VCF-style: chr6-152143639-G-A. GRCh37 (hg19) VCF-style: chr6-152464774-G-A.
Other names: c.1709C>T, p.Thr570Ile (NM_001347701.2); c.1637C>T, p.Thr546Ile (NM_001347702.2); c.24959C>T, p.Thr8320Ile (NM_033071.5); c.25103C>T (NM_182961.2); short protein forms T8320I, T8368I, T546I, T570I.
Identifiers: ClinVar variation 845825 (VCV000845825.11), dbSNP rs371476665, ClinGen allele CA4052953.
Genomic context (GRCh38, chr6:152,143,639, plus strand): 5'-TGTGGTTTCGCACAGGTCGGAATCAGGATGGCCAGGATACTTACGTAGCCTTTGTAGCTG[G>A]TGTCTAGCTCCGGCCCCGTGGGAGTTTTGCTGCGAATGATATTTTCGGTTTGCTGTATCT-3'
Protein context (NP_892006.3, residues 8358-8378): SKTPTGPELD[Thr8368Ile]SYKGYMKLLG

ClinVar aggregate classification (germline): Uncertain significance. Review status: criteria provided, multiple submitters, no conflicts (2 of 4 stars). 3 submissions from 3 submitters: Uncertain significance (3). Last evaluated 2024-01-10.

Conditions:
Emery-Dreifuss muscular dystrophy 4, autosomal dominant (EDMD4). Also called: EMERY-DREIFUSS MUSCULAR DYSTROPHY 4 WITH VARIABLE FEATURES. Identifiers: Orphanet 261, MedGen C2751807, MONDO:0013071, OMIM 612998.
Autosomal recessive ataxia, Beauce type. Also called: Spinocerebellar ataxia, autosomal recessive 8; ATAXIA, RECESSIVE, OF BEAUCE; SYNE1-Related Autosomal Recessive Cerebellar Ataxia; SYNE1 Deficiency. Identifiers: Orphanet 88644, MedGen C1853116, MONDO:0012549, OMIM 610743.

Allele frequency attached by ClinVar (database versions not stated): gnomAD exomes 0.00001; ExAC 0.00002; gnomAD 0.00005 and 0.00006; TOPMed 0.00006; ESP Exome Variant Server 0.00008.
gnomAD v4.1: 15 of 1,614,062 alleles (0.00093%); highest among the groups gnomAD compares: African/African-American, 0.019%; no homozygotes.

Submissions (3):

Athena Diagnostics
Classification: Uncertain significance. Last evaluated: 2024-01-10. Review status: criteria provided, single submitter. Criteria: Athena Diagnostics Criteria. Collection method: clinical testing. Allele origin: unknown.
Comment: Available data are insufficient to determine the clinical significance of the variant at this time. The frequency of this variant in the general population is uninformative in assessment of its pathogenicity. Computational tools predict that this variant is not damaging.

Revvity Omics, Revvity
Classification: Uncertain significance. Last evaluated: 2023-11-03. Review status: criteria provided, single submitter. Criteria: ACMG Guidelines, 2015. Collection method: clinical testing. Allele origin: germline.

Labcorp Genetics (formerly Invitae), Labcorp
Classification: Uncertain significance for Emery-Dreifuss muscular dystrophy 4, autosomal dominant; Autosomal recessive ataxia, Beauce type. Last evaluated: 2022-02-05. Review status: criteria provided, single submitter. Criteria: Invitae Variant Classification Sherloc (09022015). Collection method: clinical testing. Allele origin: germline.
Comment: This sequence change replaces threonine, which is neutral and polar, with isoleucine, which is neutral and non-polar, at codon 8320 of the SYNE1 protein (p.Thr8320Ile). In summary, the available evidence is currently insufficient to determine the role of this variant in disease. Therefore, it has been classified as a Variant of Uncertain Significance. Algorithms developed to predict the effect of missense changes on protein structure and function are either unavailable or do not agree on the potential impact of this missense change (SIFT: "Deleterious"; PolyPhen-2: "Benign"; Align-GVGD: "Class C0"). ClinVar contains an entry for this variant (Variation ID: 845825). This variant has not been reported in the literature in individuals affected with SYNE1-related conditions. This variant is present in population databases (rs371476665, gnomAD 0.02%).